The following is an entry in ClinVar:

NM_005609.4(PYGM):c.55dup (p.Leu19fs)

Gene: PYGM (glycogen phosphorylase, muscle associated; minus strand). Cytogenetic location: 11q13.1.
Variant type: Duplication.
Coding change: c.55dup on transcript NM_005609.4 (MANE Select); coding-DNA position 55, one base duplicated (C; older notation c.55dupC).
Protein change: p.Leu19fs; shifts the reading frame from leucine 19.
Molecular consequence: frameshift variant.
Genome position (GRCh38, 1-based): chr11:64,759,844, G duplicated on the plus strand (C on the coding strand, the reverse complement: PYGM is on the minus strand); the first of 2 consecutive G bases (chr11:64,759,844-64,759,845); duplicating either gives the same sequence. VCF-style (leftmost placement, unchanged base first): chr11-64759843-A-AG. GRCh37 (hg19) VCF-style: chr11-64527315-A-AG.
Other names: c.55dup, p.Leu19fs (NM_001164716.1); short protein forms L19fs.
Identifiers: ClinVar variation 2750620 (VCV002750620.3), dbSNP rs2496675867, ClinGen allele CA2697548612.

ClinVar aggregate classification (germline): Pathogenic (1 of 4 stars; one submission).

Conditions:
Glycogen storage disease, type V (GSD5). Also called: McArdle type glycogen storage disease; MCARDLE DISEASE; MUSCLE GLYCOGEN PHOSPHORYLASE DEFICIENCY; MYOPHOSPHORYLASE DEFICIENCY; PYGM DEFICIENCY. Identifiers: Orphanet 368, MedGen C0017924, MONDO:0009293, OMIM 232600.

Submission:

Labcorp Genetics (formerly Invitae), Labcorp
Classification: Pathogenic for Glycogen storage disease, type V. Last evaluated: 2023-08-06. Review status: criteria provided, single submitter. Criteria: Invitae Variant Classification Sherloc (09022015). Collection method: clinical testing. Allele origin: germline.
Comment: For these reasons, this variant has been classified as Pathogenic. This variant has not been reported in the literature in individuals affected with PYGM-related conditions. This variant is not present in population databases (gnomAD no frequency). This sequence change creates a premature translational stop signal (p.Leu19Profs*9) in the PYGM gene. It is expected to result in an absent or disrupted protein product. Loss-of-function variants in PYGM are known to be pathogenic (PMID: 8316268, 16786513).

Literature cited by the submitters: PubMed 8316268; PubMed 16786513.